The following is an entry in ClinVar:

ClinVar aggregate classification (germline): Uncertain significance (1 of 4 stars; one submission).

Conditions:
POLD1-related polyposis and colorectal cancer syndrome (CRCS10). Also called: Colorectal cancer, susceptibility to, 10; Colorectal cancer 10; COLORECTAL CANCER, SUSCEPTIBILITY TO, ON CHROMOSOME 19q. Identifiers: Orphanet 220460, MedGen C2675481, MONDO:0012953, OMIM 612591.

Submission:

Labcorp Genetics (formerly Invitae), Labcorp
Classification: Uncertain significance for POLD1-related polyposis and colorectal cancer syndrome. Last evaluated: 2016-07-13. Review status: criteria provided, single submitter. Criteria: Invitae Variant Classification Sherloc (09022015). Collection method: clinical testing. Allele origin: germline.
Comment: This sequence change replaces methionine with arginine at codon 937 of the POLD1 protein (p.Met937Arg). The methionine residue is moderately conserved and there is a moderate physicochemical difference between methionine and arginine. While this variant is not present in population databases, the frequency information is unreliable, as metrics indicate poor data quality at this position in the ExAC database. This variant has not been reported in the literature in an individual with a POLD1-related disease. Algorithms developed to predict the effect of missense changes on protein structure and function do not agree on the potential impact of this missense change (SIFT: "Tolerated"; PolyPhen-2: "Possibly Damaging"; Align-GVGD: "Class C0"). Algorithms developed to predict the effect of sequence changes on mRNA splicing suggest that this variant may alter mRNA splicing, but this prediction has not been confirmed by published transcriptional studies. In summary, this variant is a novel missense change with uncertain impact on protein function. It has been classified as a Variant of Uncertain Significance.

NM_002691.4(POLD1):c.2810T>G (p.Met937Arg)

Gene: POLD1 (DNA polymerase delta 1, catalytic subunit; plus strand). Cytogenetic location: 19q13.33.
Variant type: single nucleotide variant.
Coding change: c.2810T>G on transcript NM_002691.4 (MANE Select); coding-DNA position 2810, T replaced by G.
Protein change: p.Met937Arg; replaces methionine 937 with arginine.
Molecular consequence: missense variant.
Genome position (GRCh38, 1-based): chr19:50,415,816, T>G. VCF-style: chr19-50415816-T-G. GRCh37 (hg19) VCF-style: chr19-50919073-T-G.
Other names: c.2810T>G, p.Met937Arg (LRG_785t1, NM_001256849.1); c.2888T>G, p.Met963Arg (LRG_785t2, NM_001308632.1); short protein forms M963R, M937R.
Identifiers: ClinVar variation 407962 (VCV000407962.6), dbSNP rs1011628932, ClinGen allele CA16616400.